The following is an entry in ClinVar:

NM_007294.4(BRCA1):c.1842_1843dup (p.Ser615fs)

Gene: BRCA1 (BRCA1 DNA repair associated; minus strand). Cytogenetic location: 17q21.31.
Variant type: Duplication.
Coding change: c.1842_1843dup on transcript NM_007294.4 (MANE Select); coding-DNA positions 1842 to 1843, 2 bases duplicated (GT; older notation c.1842_1843dupGT).
Protein change: p.Ser615fs; shifts the reading frame from serine 615.
Molecular consequence: frameshift variant. On other transcripts: intron variant (137).
Genome position (GRCh38, 1-based): chr17:43,093,688-43,093,689, AC duplicated on the plus strand (GT on the coding strand, the reverse complement: BRCA1 is on the minus strand). VCF-style (leftmost placement, unchanged base first): chr17-43093687-G-GAC. GRCh37 (hg19) VCF-style: chr17-41245704-G-GAC.
Other names: c.1842_1843dupGT (NM_007294.3); c.1506_1507dup, p.Ser503fs (NM_001407955.1, NM_001407956.1, NM_001407958.1 and 1 more transcripts); c.1509_1510dup, p.Ser504fs (NM_001407957.1, NM_001407946.1, NM_001407947.1 and 6 more transcripts); c.1461_1462dup, p.Ser488fs (NM_001407959.1, NM_001407960.1, NM_001407963.1); c.1458_1459dup, p.Ser487fs (NM_001407962.1); c.1698_1699dup, p.Ser567fs (NM_001407964.1, NM_001407740.1, NM_001407741.1 and 20 more transcripts); c.1338_1339dup, p.Ser447fs (NM_001407965.1); c.954_955dup, p.Ser319fs (NM_001407966.1, NM_001407967.1); and 41 more; short protein forms S615fs, S568fs, S527fs, S548fs, S614fs, S319fs, S447fs, S487fs.
Identifiers: ClinVar variation 254400 (VCV000254400.3), dbSNP rs767595162, ClinGen allele CA8589950.

ClinVar aggregate classification (germline): Pathogenic (3 of 4 stars; one submission).

Conditions:
Breast-ovarian cancer, familial, susceptibility to, 1 (BROVCA1). Also called: BRCA1 Hereditary Breast and Ovarian Cancer; OVARIAN CANCER, SUSCEPTIBILITY TO. Identifiers: Orphanet 145, MedGen C2676676, MONDO:0011450, OMIM 604370. Disease mechanism: loss of function.

Allele frequency attached by ClinVar (database versions not stated): gnomAD exomes below 0.00001; ExAC 0.00001.

Submission:

Evidence-based Network for the Interpretation of Germline Mutant Alleles (ENIGMA)
Classification: Pathogenic for Breast-ovarian cancer, familial, susceptibility to, 1. Last evaluated: 2016-09-08. Review status: reviewed by expert panel. Criteria: ENIGMA BRCA1/2 Classification Criteria (2015). Collection method: curation. Allele origin: germline.
Comment: Variant allele predicted to encode a truncated non-functional protein.